The following is an entry in ClinVar:

ClinVar aggregate classification (germline): Likely benign. Review status: criteria provided, multiple submitters, no conflicts (2 of 4 stars). 2 submissions from 2 submitters: Likely benign (2). Last evaluated 2026-04-22.

Conditions:
PIGT-related disorder.
Multiple congenital anomalies-hypotonia-seizures syndrome 3 (MCAHS3). Also called: GLYCOSYLPHOSPHATIDYLINOSITOL BIOSYNTHESIS DEFECT 7. Identifiers: Orphanet 369837, MedGen C3809356, MONDO:0014165, OMIM 615398.

Allele frequency attached by ClinVar (database versions not stated): gnomAD 0.00001; TOPMed 0.00002.

Submissions (2):

PreventionGenetics, part of Exact Sciences
Classification: Likely benign for PIGT-related condition. Last evaluated: 2026-04-22. Review status: criteria provided, single submitter. Criteria: ACMG Guidelines, 2015. Collection method: clinical testing. Allele origin: germline.
Comment: This variant is classified as likely benign based on ACMG/AMP sequence variant interpretation guidelines (Richards et al. 2015 PMID: 25741868, with internal and published modifications).

Labcorp Genetics (formerly Invitae), Labcorp
Classification: Likely benign for Multiple congenital anomalies-hypotonia-seizures syndrome 3. Last evaluated: 2023-07-17. Review status: criteria provided, single submitter. Criteria: Invitae Variant Classification Sherloc (09022015). Collection method: clinical testing. Allele origin: germline.

NM_015937.6(PIGT):c.1425G>T (p.Val475=)

Gene: PIGT (phosphatidylinositol glycan anchor biosynthesis class T; plus strand). Cytogenetic location: 20q13.12.
Variant type: single nucleotide variant.
Coding change: c.1425G>T on transcript NM_015937.6 (MANE Select); coding-DNA position 1425, G replaced by T.
Protein change: p.Val475=; no amino-acid change (valine 475 retained).
Molecular consequence: synonymous variant. On other transcripts: non-coding transcript variant (5).
Genome position (GRCh38, 1-based): chr20:45,424,520, G>T. VCF-style: chr20-45424520-G-T. GRCh37 (hg19) VCF-style: chr20-44053160-G-T.
Other names: c.1257G>T, p.Val419= (NM_001184728.3); c.1224G>T, p.Val408= (NM_001184729.3); c.1119G>T, p.Val373= (NM_001184730.3); c.1425G>T (NM_015937.5).
Identifiers: ClinVar variation 1555601 (VCV001555601.9), dbSNP rs1008866401, ClinGen allele CA315578779.